The following is an entry in ClinVar:

ClinVar aggregate classification (germline): Conflicting classifications of pathogenicity. Review status: criteria provided, conflicting classifications (1 of 4 stars). 7 submissions from 7 submitters: Pathogenic (1); Likely pathogenic (4); Uncertain significance (1). 1 of the submissions does not count toward it. Last evaluated 2025-05-15.

Conditions:
Neuronal ceroid lipofuscinosis. Also called: Neuronal Ceroid Lipofuscinoses. Identifiers: Orphanet 216, Orphanet 79263, MedGen C0027877, MONDO:0016295. Disease mechanism: loss of function.
Progressive myoclonic epilepsy type 3. Also called: EPILEPSY, PROGRESSIVE MYOCLONIC, 3, WITHOUT INTRACELLULAR INCLUSIONS; KCTD7-Related Progressive Myoclonic Epilepsy; EPILEPSY, PROGRESSIVE MYOCLONIC, 3, WITH OR WITHOUT INTRACELLULAR INCLUSIONS; CEROID LIPOFUSCINOSIS, NEURONAL, 14. Identifiers: Orphanet 263516, MedGen C2673257, MONDO:0012721, OMIM 611726.

Allele frequency attached by ClinVar (database versions not stated): gnomAD exomes below 0.00001 and 0.00001; ExAC 0.00001; gnomAD 0.00001; TOPMed 0.00001.
gnomAD v4.1: 15 of 1,613,940 alleles (0.00093%); highest among the groups gnomAD compares: African/African-American, 0.0067%; no homozygotes.

Submissions (7):

Women's Health and Genetics/Laboratory Corporation of America, LabCorp
Classification: Pathogenic for Neuronal ceroid lipofuscinosis. Last evaluated: 2025-05-15. Review status: criteria provided, single submitter. Criteria: LabCorp Variant Classification Summary - May 2015. Collection method: clinical testing. Allele origin: germline.
Comment: Variant summary: KCTD7 c.280C>T (p.Arg94Trp) results in a non-conservative amino acid change in the encoded protein sequence. Algorithms developed to predict the effect of missense changes on protein structure and function are either unavailable or do not agree on the potential impact of this missense change. The variant allele was found at a frequency of 4e-06 in 251470 control chromosomes. c.280C>T has been observed in multiple homozygous individuals affected with Neuronal Ceroid-Lipofuscinosis (Batten Disease) (Kousi_2012, Krabichler_2012, Narayanan_2021). These data indicate that the variant is very likely to be associated with disease. At least one publication reports experimental evidence evaluating an impact on protein function. The most pronounced variant effect results in significantly reduced plasma membrane expression (20% of wild type protein) due to aggregation in the cytoplasma in an in vitro cellular assay (Moen_2016). ClinVar contains an entry for this variant (Variation ID: 37010). Based on the evidence outlined above, the variant was classified as pathogenic.

Genomic Medicine Center of Excellence, King Faisal Specialist Hospital and Research Centre
Classification: Likely pathogenic for Progressive myoclonic epilepsy type 3. Last evaluated: 2024-12-19. Review status: criteria provided, single submitter. Criteria: ACMG Guidelines, 2015. Collection method: clinical testing. Allele origin: germline.

Labcorp Genetics (formerly Invitae), Labcorp
Classification: Likely pathogenic for Progressive myoclonic epilepsy type 3. Last evaluated: 2024-02-16. Review status: criteria provided, single submitter. Criteria: Invitae Variant Classification Sherloc (09022015). Collection method: clinical testing. Allele origin: germline.
Comment: This sequence change replaces arginine, which is basic and polar, with tryptophan, which is neutral and slightly polar, at codon 94 of the KCTD7 protein (p.Arg94Trp). This variant is present in population databases (rs387907260, gnomAD 0.004%). This missense change has been observed in individuals with progressive myoclonic epilepsy (PMID: 22606975, 22693283, 34866617). ClinVar contains an entry for this variant (Variation ID: 37010). Advanced modeling of protein sequence and biophysical properties (such as structural, functional, and spatial information, amino acid conservation, physicochemical variation, residue mobility, and thermodynamic stability) performed at Invitae indicates that this missense variant is not expected to disrupt KCTD7 protein function with a negative predictive value of 80%. Experimental studies have shown that this missense change affects KCTD7 function (PMID: 27742667). In summary, the currently available evidence indicates that the variant is pathogenic, but additional data are needed to prove that conclusively. Therefore, this variant has been classified as Likely Pathogenic.

Revvity Omics, Revvity
Classification: Uncertain significance for Progressive myoclonic epilepsy type 3. Last evaluated: 2021-03-29. Review status: criteria provided, single submitter. Criteria: ACMG Guidelines, 2015. Collection method: clinical testing. Allele origin: germline.

Kasturba Medical College, Manipal, Kasturba Medical College, Manipal, Manipal Academy of Higher Education, Manipal, India
Classification: Likely pathogenic for Progressive myoclonic epilepsy type 3. Last evaluated: 2020-03-13. Review status: criteria provided, single submitter. Criteria: ACMG Guidelines, 2015. Collection method: clinical testing. Allele origin: inherited. Inheritance: Autosomal recessive inheritance. Affected: yes. Observed: 3 variant alleles.

Undiagnosed Diseases Network, NIH
Classification: Likely pathogenic for Progressive myoclonic epilepsy type 3. Last evaluated: 2017-08-22. Review status: criteria provided, single submitter. Criteria: ACMG Guidelines, 2015. Collection method: clinical testing. Allele origin: paternal. Inheritance: Autosomal recessive inheritance. Affected: yes. Observed: 2 variant alleles, 2 compound heterozygotes. Clinical features observed: Synophrys (HP:0000664), Small hand (HP:0200055), Short stature (HP:0004322), Short nose (HP:0003196), Short foot (HP:0001773), Seizures (HP:0001250), Nevus flammeus of the forehead (HP:0007413), Nevus flammeus nuchae (HP:0007616), Loss of speech (HP:0002371), Loss of ability to walk (HP:0006957), High palate (HP:0000218), Hallux valgus (HP:0001822), and 9 more. Study: Undiagnosed Diseases Network (NIH), UDN.
Comment: The c.280C>T (p.R94W) likely pathogenic variant has been previously reported in the homozygous state in two apparently unrelated Turkish patients [PMID 22693283, 22606975]. The potential pathogenicity of the variant is also supported by a recent functional study [PMID 27742667]. The c.456G>A (p.V152V) variant was predicted to affect splicing by in silico modeling. This effect on splicing was confirmed by RNA sequencing which showed evidence of a novel splice donor site that prematurely terminates exon 3 of KCTD7 in patient samples. Splicing effect was also confirmed by Sanger sequencing of amplified cDNA corresponding to KCTD7 exons 2-4 which showed two discrete bands in patients compared to one band in unrelated controls [Zastrow et al., ASHG 2017].

OMIM
Classification: Pathogenic for EPILEPSY, PROGRESSIVE MYOCLONIC, 3, WITHOUT INTRACELLULAR INCLUSIONS. Last evaluated: 2012-06-01. Review status: no assertion criteria provided. Collection method: literature only. Allele origin: germline. Not counted in ClinVar's aggregate classification.

Literature cited by the submitters: PubMed 27742667 (cited by Women's Health and Genetics/Laboratory Corporation of America, LabCorp and Labcorp Genetics (formerly Invitae), Labcorp); PubMed 22693283 (cited by 3 submitters); PubMed 34866617 (cited by Women's Health and Genetics/Laboratory Corporation of America, LabCorp and Labcorp Genetics (formerly Invitae), Labcorp); PubMed 22606975 (cited by Women's Health and Genetics/Laboratory Corporation of America, LabCorp and Labcorp Genetics (formerly Invitae), Labcorp).

NM_153033.5(KCTD7):c.280C>T (p.Arg94Trp)

Gene: KCTD7 (potassium channel tetramerization domain containing 7; plus strand). Cytogenetic location: 7q11.21.
Variant type: single nucleotide variant.
Coding change: c.280C>T on transcript NM_153033.5 (MANE Select); coding-DNA position 280, C replaced by T.
Protein change: p.Arg94Trp; replaces arginine 94 with tryptophan.
Molecular consequence: missense variant.
Genome position (GRCh38, 1-based): chr7:66,633,410, C>T. VCF-style: chr7-66633410-C-T. GRCh37 (hg19) VCF-style: chr7-66098397-C-T.
Other names: c.280C>T, p.Arg94Trp (NM_001167961.2); c.280C>T (NM_153033.4); short protein forms R94W.
Identifiers: ClinVar variation 37010 (VCV000037010.20), dbSNP rs387907260, ClinGen allele CA130028.